The following is an entry in ClinVar:

NM_000021.4(PSEN1):c.955+12_955+23del

Gene: PSEN1 (presenilin 1; plus strand). Cytogenetic location: 14q24.2.
Variant type: Deletion.
Coding change: c.955+12_955+23del on transcript NM_000021.4 (MANE Select); bases 12 to 23 of the intron after coding-DNA position 955, 12 bases deleted (TTATTAGATAAT).
Molecular consequence: intron variant.
Genome position (GRCh38, 1-based): chr14:73,206,484-73,206,495, TTATTAGATAAT deleted; deleting any 12 consecutive bases within chr14:73,206,483-73,206,495 gives the same sequence; the c. name uses the placement nearest the transcript's 3' end. VCF-style (leftmost placement, unchanged base first): chr14-73206482-TTTTATTAGATAA-T. GRCh37 (hg19) VCF-style: chr14-73673190-TTTTATTAGATAA-T.
Other names: c.943+12_943+23del (NM_007318.3); c.955+12_955+23del12 (NM_000021.4).
Identifiers: ClinVar variation 4887120 (VCV004887120.1).

ClinVar aggregate classification (germline): Likely benign (1 of 4 stars; one submission).

Submission:

Women's Health and Genetics/Laboratory Corporation of America, LabCorp
Classification: Likely benign. Last evaluated: 2026-06-18. Review status: criteria provided, single submitter. Criteria: LabCorp Variant Classification Summary - May 2015. Collection method: clinical testing. Allele origin: germline.
Comment: Variant summary: PSEN1 c.955+12_955+23del12 alters nucleotides located at a position not widely known to affect splicing. Consensus agreement among computation tools predict no significant impact on normal splicing. However, these predictions have yet to be confirmed by functional studies. The variant was absent in 249536 control chromosomes. The available data on variant occurrences in the general population are insufficient to allow any conclusion about variant significance. To our knowledge, no occurrence of c.955+12_955+23del12 in individuals affected with PSEN1-related conditions and no experimental evidence demonstrating its impact on protein function have been reported. No submitters have cited clinical-significance assessments for this variant to ClinVar. Based on the evidence outlined above, the variant was classified as likely benign.